The following is an entry in ClinVar:

NM_018489.3(ASH1L):c.233C>A (p.Thr78Lys)

Gene: ASH1L (ASH1 like histone lysine methyltransferase; minus strand). Cytogenetic location: 1q22.
Variant type: single nucleotide variant.
Coding change: c.233C>A on transcript NM_018489.3 (MANE Select); coding-DNA position 233, C replaced by A.
Protein change: p.Thr78Lys; replaces threonine 78 with lysine.
Molecular consequence: missense variant.
Genome position (GRCh38, 1-based): chr1:155,521,287, G>T on the plus strand (C>A on the coding strand, the complement: ASH1L is on the minus strand). VCF-style: chr1-155521287-G-T. GRCh37 (hg19) VCF-style: chr1-155491078-G-T.
Other names: c.233C>A, p.Thr78Lys (NM_001366177.2); short protein forms T78K.
Identifiers: ClinVar variation 2630390 (VCV002630390.1), dbSNP rs2524741917, ClinGen allele CA342714801.
Genomic context (GRCh38, chr1:155,521,287, plus strand): 5'-TTTTTAGTTCTCTTAGCCTGGAGGCCAATTTTCAATTTTAAATTTCCCTCTGAAAAGTTT[G>T]TTTCTTTCACTGAAAACTGTTGCTGTGCATCAGTCAAACCATCATCTTTCCCAGCTTCGA-3'
Protein context (NP_060959.2, residues 68-88): DAQQQFSVKE[Thr78Lys]NFSEGNLKLK

ClinVar aggregate classification (germline): Uncertain significance (1 of 4 stars; one submission).

Conditions:
ASH1L-related disorder. Also called: ASH1L-related condition.

Submission:

PreventionGenetics, part of Exact Sciences
Classification: Uncertain significance for ASH1L-related condition. Last evaluated: 2023-02-20. Review status: criteria provided, single submitter. Criteria: ACMG Guidelines, 2015. Collection method: clinical testing. Allele origin: germline.
Comment: The ASH1L c.233C>A variant is predicted to result in the amino acid substitution p.Thr78Lys. To our knowledge, this variant has not been reported in the literature or in a large population database, indicating this variant is rare. At this time, the clinical significance of this variant is uncertain due to the absence of conclusive functional and genetic evidence.